The following is an entry in ClinVar:

NM_001142416.2(AIMP1):c.836A>T (p.His279Leu)

Gene: AIMP1 (aminoacyl tRNA synthetase complex interacting multifunctional protein 1; plus strand). Cytogenetic location: 4q24.
Variant type: single nucleotide variant.
Coding change: c.836A>T on transcript NM_001142416.2 (MANE Select); coding-DNA position 836, A replaced by T.
Protein change: p.His279Leu; replaces histidine 279 with leucine.
Molecular consequence: missense variant.
Genome position (GRCh38, 1-based): chr4:106,347,589, A>T. VCF-style: chr4-106347589-A-T. GRCh37 (hg19) VCF-style: chr4-107268746-A-T.
Other names: c.836A>T, p.His279Leu (NM_001142415.2, NM_004757.4); short protein forms H279L.
Identifiers: ClinVar variation 2080343 (VCV002080343.1), dbSNP rs2476241942, ClinGen allele CA357974882.

ClinVar aggregate classification (germline): Uncertain significance (1 of 4 stars; one submission).

Allele frequency attached by ClinVar (database versions not stated): gnomAD exomes below 0.00001.
gnomAD v4.1: 1 of 1,613,510 alleles (0.000062%); highest among the groups gnomAD compares: Non-Finnish European, 0.000085%; no homozygotes.

Submission:

Labcorp Genetics (formerly Invitae), Labcorp
Classification: Uncertain significance. Last evaluated: 2022-02-18. Review status: criteria provided, single submitter. Criteria: Invitae Variant Classification Sherloc (09022015). Collection method: clinical testing. Allele origin: germline.
Comment: This sequence change replaces histidine, which is basic and polar, with leucine, which is neutral and non-polar, at codon 279 of the AIMP1 protein (p.His279Leu). This variant is not present in population databases (gnomAD no frequency). This variant has not been reported in the literature in individuals affected with AIMP1-related conditions. Algorithms developed to predict the effect of missense changes on protein structure and function output the following: SIFT: "Tolerated"; PolyPhen-2: "Benign"; Align-GVGD: "Class C0". The leucine amino acid residue is found in multiple mammalian species, which suggests that this missense change does not adversely affect protein function. In summary, the available evidence is currently insufficient to determine the role of this variant in disease. Therefore, it has been classified as a Variant of Uncertain Significance.